The following is an entry in ClinVar:

ClinVar aggregate classification (germline): Uncertain significance (1 of 4 stars; one submission).

Conditions:
Mucopolysaccharidosis, MPS-III-C (MPS3C). Also called: SANFILIPPO SYNDROME C; MPS III C; mucopolysaccharidosis type 3C; MUCOPOLYSACCHARIDOSIS, TYPE IIIC; MPS IIIC (Sanfilippo Syndrome Type C); Mucopolysaccharidosis type IIIC (Sanfilippo C). Identifiers: Orphanet 581, Orphanet 79271, MedGen C0086649, MONDO:0009657, OMIM 252930.
Retinitis pigmentosa 73 (RP73). Identifiers: Orphanet 791, MedGen C4225287, MONDO:0014687, OMIM 616544.

Allele frequency attached by ClinVar (database versions not stated): gnomAD exomes below 0.00001; TOPMed below 0.00001.
gnomAD v4.1: 2 of 1,549,560 alleles (0.00013%); highest among the groups gnomAD compares: Admixed American, 0.002%; no homozygotes.

Submission:

Labcorp Genetics (formerly Invitae), Labcorp
Classification: Uncertain significance for Retinitis pigmentosa 73; Mucopolysaccharidosis, MPS-III-C. Last evaluated: 2022-08-23. Review status: criteria provided, single submitter. Criteria: Invitae Variant Classification Sherloc (09022015). Collection method: clinical testing. Allele origin: germline.
Comment: This sequence change replaces isoleucine, which is neutral and non-polar, with threonine, which is neutral and polar, at codon 631 of the HGSNAT protein (p.Ile631Thr). This variant is present in population databases (no rsID available, gnomAD 0.007%). This variant has not been reported in the literature in individuals affected with HGSNAT-related conditions. Advanced modeling of protein sequence and biophysical properties (such as structural, functional, and spatial information, amino acid conservation, physicochemical variation, residue mobility, and thermodynamic stability) performed at Invitae indicates that this missense variant is not expected to disrupt HGSNAT protein function. In summary, the available evidence is currently insufficient to determine the role of this variant in disease. Therefore, it has been classified as a Variant of Uncertain Significance.

NM_152419.3(HGSNAT):c.1892T>C (p.Ile631Thr)

Gene: HGSNAT (heparan-alpha-glucosaminide N-acetyltransferase; plus strand). Cytogenetic location: 8p11.21.
Variant type: single nucleotide variant.
Coding change: c.1892T>C on transcript NM_152419.3 (MANE Select); coding-DNA position 1892, T replaced by C.
Protein change: p.Ile631Thr; replaces isoleucine 631 with threonine.
Molecular consequence: missense variant.
Genome position (GRCh38, 1-based): chr8:43,199,553, T>C. VCF-style: chr8-43199553-T-C. GRCh37 (hg19) VCF-style: chr8-43054696-T-C.
Other names: c.1700T>C, p.Ile567Thr (NM_001363228.2); c.1028T>C, p.Ile343Thr (NM_001363229.2); c.1979T>C, p.Ile660Thr (NM_001363227.2); short protein forms I660T, I343T, I631T, I567T.
Identifiers: ClinVar variation 2118858 (VCV002118858.1), dbSNP rs1278951967, ClinGen allele CA371121842.